The following is an entry in ClinVar:

ClinVar aggregate classification (germline): Likely pathogenic (1 of 4 stars; one submission).

Conditions:
Rare genetic deafness. Identifiers: Orphanet 96210, MedGen C5680250.

Submission:

Laboratory for Molecular Medicine, Mass General Brigham Personalized Medicine
Classification: Likely pathogenic for Rare genetic deafness. Last evaluated: 2016-06-27. Review status: criteria provided, single submitter. Criteria: LMM Criteria. Collection method: clinical testing. Allele origin: germline. Inheritance: Autosomal recessive inheritance. Observed: 3 variant alleles.
Comment: The exon 32-37 deletion in OTOG has not been reported in individuals with hearin g loss, but several similarly sized deletions in OTOG have been reported in the Database of Genomic Variants (DGV; variant accessions ID s: nsv469938, nsv553587, nsv467715, nsv951315, nsv520453). This variant results in the deletion of exons 32-37 of the OTOG gene, and is predicted to lead to a truncated or absent protein. Two loss of function variants in the OTOG gene have been reported to segregate with hearing loss in two families (Schraders 2012), and disruption of OTOG in mice resulted in deafness supporting a loss-of-functio n mechanism for the disease (Simmler 2000). In summary, although additional evid ence is required to strengthen the gene-disease association for OTOG and hearing loss, the current data support that the exon 32-37 deletion in OTOG is likely p athogenic for autosomal recessive hearing loss.

NM_001277269.1(OTOG):c.(?_3914)-61_(6474_?)+67del

Gene: OTOG (otogelin; plus strand). Cytogenetic location: 11p15.1.
Variant type: Deletion.
Identifiers: ClinVar variation 505208 (VCV000505208.5).